The following is an entry in ClinVar:

NM_001184.4(ATR):c.4712del (p.Ser1571fs)

Gene: ATR (ATR checkpoint kinase; minus strand). Cytogenetic location: 3q23.
Variant type: Deletion.
Coding change: c.4712del on transcript NM_001184.4 (MANE Select); coding-DNA position 4712, one base deleted (C; older notation c.4712delC).
Protein change: p.Ser1571fs; shifts the reading frame from serine 1571.
Molecular consequence: frameshift variant.
Genome position (GRCh38, 1-based): chr3:142,512,400, G deleted on the plus strand (C on the coding strand, the reverse complement: ATR is on the minus strand). VCF-style (leftmost placement, unchanged base first): chr3-142512399-AG-A. GRCh37 (hg19) VCF-style: chr3-142231241-AG-A.
Other names: c.4520del, p.Ser1507fs (NM_001354579.2); short protein forms S1507fs, S1571fs.
Identifiers: ClinVar variation 2571190 (VCV002571190.27), dbSNP rs2473217995, ClinGen allele CA2580615988.

ClinVar aggregate classification (germline): Pathogenic (1 of 4 stars; one submission).

Submission:

CeGaT Center for Human Genetics Tuebingen
Classification: Pathogenic. Last evaluated: 2023-04-01. Review status: criteria provided, single submitter. Criteria: CeGaT Center For Human Genetics Tuebingen Variant Classification Criteria Version 2. Collection method: clinical testing. Allele origin: germline. Affected: yes. Observed: 1 variant allele.
Comment: ATR: PVS1, PM2